The following is an entry in ClinVar:

NM_000179.3(MSH6):c.1790A>T (p.Glu597Val)

Gene: MSH6 (mutS homolog 6; plus strand). Cytogenetic location: 2p16.3.
Variant type: single nucleotide variant.
Coding change: c.1790A>T on transcript NM_000179.3 (MANE Select); coding-DNA position 1790, A replaced by T.
Protein change: p.Glu597Val; replaces glutamic acid 597 with valine.
Molecular consequence: missense variant. On other transcripts: non-coding transcript variant (4), intron variant (2).
Genome position (GRCh38, 1-based): chr2:47,799,773, A>T. VCF-style: chr2-47799773-A-T. GRCh37 (hg19) VCF-style: chr2-48026912-A-T.
Other names: c.1400A>T, p.Glu467Val (NM_001281492.2); c.884A>T, p.Glu295Val (NM_001281493.2, NM_001281494.2, NM_001406823.1 and 6 more transcripts); c.1886A>T, p.Glu629Val (NM_001406795.1, NM_001406802.1); c.1790A>T, p.Glu597Val (NM_001406796.1, NM_001406798.1, NM_001406800.1 and 3 more transcripts); c.1493A>T, p.Glu498Val (NM_001406797.1, NM_001406801.1, NM_001406805.1 and 10 more transcripts); c.1265A>T, p.Glu422Val (NM_001406799.1, NM_001406806.1, NM_001406807.1); c.1712A>T, p.Glu571Val (NM_001406804.1); c.1622A>T, p.Glu541Val (NM_001406826.1); and 3 more; short protein forms E295V, E541V, E597V, E629V, E467V, E599V, E422V, E498V.
Identifiers: ClinVar variation 3633940 (VCV003633940.2).
Genomic context (GRCh38, chr2:47,799,773, plus strand): 5'-GCCATTGTTCGAGATTTAGGACTCTAGTGGCACACTATCCCCCAGTACAAGTTTTATTTG[A>T]AAAAGGAAATCTCTCAAAGGAAACTAAAACAATTCTAAAGAGTTCATTGTCCTGTTCTCT-3'
Protein context (NP_000170.1, residues 587-607): AHYPPVQVLF[Glu597Val]KGNLSKETKT

ClinVar aggregate classification (germline): Uncertain significance (1 of 4 stars; one submission).

Conditions:
Hereditary nonpolyposis colorectal neoplasms. Identifiers: MedGen C0009405, MeSH D003123.

Submission:

Labcorp Genetics (formerly Invitae), Labcorp
Classification: Uncertain significance for Hereditary nonpolyposis colorectal neoplasms. Last evaluated: 2025-03-11. Review status: criteria provided, single submitter. Criteria: Invitae Variant Classification Sherloc (09022015). Collection method: clinical testing. Allele origin: germline.
Comment: This sequence change replaces glutamic acid, which is acidic and polar, with valine, which is neutral and non-polar, at codon 597 of the MSH6 protein (p.Glu597Val). This variant is not present in population databases (gnomAD no frequency). This variant has not been reported in the literature in individuals affected with MSH6-related conditions. Invitae Evidence Modeling of protein sequence and biophysical properties (such as structural, functional, and spatial information, amino acid conservation, physicochemical variation, residue mobility, and thermodynamic stability) has been performed for this missense variant. However, the output from this modeling did not meet the statistical confidence thresholds required to predict the impact of this variant on MSH6 protein function. In summary, the available evidence is currently insufficient to determine the role of this variant in disease. Therefore, it has been classified as a Variant of Uncertain Significance.